The following is an entry in ClinVar:

NM_000160.5(GCGR):c.309C>T (p.Asp103=)

Gene: GCGR (glucagon receptor; plus strand). Cytogenetic location: 17q25.3.
Variant type: single nucleotide variant.
Coding change: c.309C>T on transcript NM_000160.5 (MANE Select); coding-DNA position 309, C replaced by T.
Protein change: p.Asp103=; no amino-acid change (aspartic acid 103 retained).
Molecular consequence: synonymous variant.
Genome position (GRCh38, 1-based): chr17:81,811,047, C>T. VCF-style: chr17-81811047-C-T. GRCh37 (hg19) VCF-style: chr17-79768923-C-T.
Other names: c.309C>T (NM_000160.4).
Identifiers: ClinVar variation 2905288 (VCV002905288.5), dbSNP rs1333839810, ClinGen allele CA502424194.

ClinVar aggregate classification (germline): Likely benign. Review status: criteria provided, single submitter (1 of 4 stars). 2 submissions from 2 submitters: Likely benign (1). 1 of the submissions does not count toward it. Last evaluated 2025-08-15.

Conditions:
GCGR-related disorder. Also called: GCGR-related condition.

Allele frequency attached by ClinVar (database versions not stated): gnomAD exomes 0.00005; TOPMed 0.00005; gnomAD 0.00007.
gnomAD v4.1: 77 of 1,536,208 alleles (0.005%); highest among the groups gnomAD compares: East Asian, 0.042%; 1 homozygote.

Submissions (2):

Labcorp Genetics (formerly Invitae), Labcorp
Classification: Likely benign. Last evaluated: 2025-08-15. Review status: criteria provided, single submitter. Criteria: Invitae Variant Classification Sherloc (09022015). Collection method: clinical testing. Allele origin: germline.

PreventionGenetics, part of Exact Sciences
Classification: Likely benign for GCGR-related condition. Last evaluated: 2019-05-20. Review status: no assertion criteria provided. Collection method: clinical testing. Allele origin: germline. Not counted in ClinVar's aggregate classification.
Comment: This variant is classified as likely benign based on ACMG/AMP sequence variant interpretation guidelines (Richards et al. 2015 PMID: 25741868, with internal and published modifications).